The following is an entry in ClinVar:

ClinVar aggregate classification (germline): Pathogenic. Review status: criteria provided, multiple submitters, no conflicts (2 of 4 stars). 3 submissions from 3 submitters: Pathogenic (3). Last evaluated 2024-05-08.

Conditions:
Hereditary cancer-predisposing syndrome. Also called: Hereditary Cancer Syndrome; Hereditary neoplastic syndrome; Neoplastic Syndromes, Hereditary; Tumor predisposition. Identifiers: Orphanet 140162, MedGen C0027672, MeSH D009386, MONDO:0015356.
Microcephaly, normal intelligence and immunodeficiency (NBS). Also called: SEEMANOVA SYNDROME II; Ataxia telangiectasia variant V1; Immunodeficiency, microcephaly with normal intelligence; Nijmegen breakage syndrome; Microcephaly with normal intelligence immunodeficiency and lymphoreticular malignancies; Nonsyndromal microcephaly autosomal recessive with normal intelligence. Identifiers: Orphanet 647, MedGen C0398791, MONDO:0009623, OMIM 251260.

Allele frequency attached by ClinVar (database versions not stated): gnomAD exomes below 0.00001.
gnomAD v4.1: 2 of 1,581,390 alleles (0.00013%); highest among the groups gnomAD compares: Non-Finnish European, 0.00017%; no homozygotes.

Submissions (3):

Myriad Genetics, Inc.
Classification: Pathogenic for Microcephaly, normal intelligence and immunodeficiency. Last evaluated: 2024-05-08. Review status: criteria provided, single submitter. Criteria: Myriad Autosomal Dominant, Autosomal Recessive and X-Linked Classification Criteria (2023). Collection method: clinical testing. Allele origin: unknown.
Comment: NM_002485.4(NBN):c.1895G>A(W632*) is expected to be pathogenic in the context of Nijmegen breakage syndrome. This variant is predicted to lead to an abnormal or absent protein product due to the creation of a premature termination codon in NBN, a gene where loss-of-function variants are known to be pathogenic. Please note: this variant was assessed in the context of healthy population screening.

Labcorp Genetics (formerly Invitae), Labcorp
Classification: Pathogenic for Microcephaly, normal intelligence and immunodeficiency. Last evaluated: 2023-05-02. Review status: criteria provided, single submitter. Criteria: Invitae Variant Classification Sherloc (09022015). Collection method: clinical testing. Allele origin: germline.
Comment: ClinVar contains an entry for this variant (Variation ID: 1452252). This variant has not been reported in the literature in individuals affected with NBN-related conditions. This variant is not present in population databases (gnomAD no frequency). This sequence change creates a premature translational stop signal (p.Trp632*) in the NBN gene. It is expected to result in an absent or disrupted protein product. Loss-of-function variants in NBN are known to be pathogenic (PMID: 9590180, 16415040). Algorithms developed to predict the effect of sequence changes on RNA splicing suggest that this variant may disrupt the consensus splice site. For these reasons, this variant has been classified as Pathogenic.

Ambry Genetics
Classification: Pathogenic for Hereditary cancer-predisposing syndrome. Last evaluated: 2022-05-27. Review status: criteria provided, single submitter. Criteria: Ambry Variant Classification Scheme 2023. Collection method: clinical testing. Allele origin: germline.
Comment: The p.W632* pathogenic mutation (also known as c.1895G>A), located in coding exon 12 of the NBN gene, results from a G to A substitution at nucleotide position 1895. This changes the amino acid from a tryptophan to a stop codon within coding exon 12. This alteration is expected to result in loss of function by premature protein truncation or nonsense-mediated mRNA decay. As such, this alteration is interpreted as a disease-causing mutation.

Literature cited by the submitters: PubMed 9590180 (cited by Labcorp Genetics (formerly Invitae), Labcorp); PubMed 16415040 (cited by Labcorp Genetics (formerly Invitae), Labcorp).

NM_002485.5(NBN):c.1895G>A (p.Trp632Ter)

Genes: NBN (nibrin; minus strand), LOC126860438 (MED14-independent group 3 enhancer GRCh37_chr8:90959982-90961181; plus strand). Cytogenetic location: 8q21.3.
Variant type: single nucleotide variant.
Coding change: c.1895G>A on transcript NM_002485.5 (MANE Select); coding-DNA position 1895, G replaced by A.
Protein change: p.Trp632Ter; replaces tryptophan 632 with a stop codon.
Molecular consequence: nonsense.
Genome position (GRCh38, 1-based): chr8:89,947,843, C>T on the plus strand (G>A on the coding strand, the complement: NBN is on the minus strand). VCF-style: chr8-89947843-C-T. GRCh37 (hg19) VCF-style: chr8-90960071-C-T.
Other names: c.1649G>A, p.Trp550Ter (NM_001024688.3); short protein forms W632*, W550*.
Identifiers: ClinVar variation 1452252 (VCV001452252.9), dbSNP rs2129659855, ClinGen allele CA371677222.